The following is an entry in ClinVar:

ClinVar aggregate classification (germline): Pathogenic (1 of 4 stars; one submission).

Conditions:
Primary immunodeficiency with post-measles-mumps-rubella vaccine viral infection. Also called: Immunodeficiency 44. Identifiers: Orphanet 431166, MedGen C4225260, MONDO:0014715, OMIM 616636.

Submission:

Labcorp Genetics (formerly Invitae), Labcorp
Classification: Pathogenic for Primary immunodeficiency with post-measles-mumps-rubella vaccine viral infection. Last evaluated: 2021-11-22. Review status: criteria provided, single submitter. Criteria: Invitae Variant Classification Sherloc (09022015). Collection method: clinical testing. Allele origin: germline.
Comment: For these reasons, this variant has been classified as Pathogenic. This variant has not been reported in the literature in individuals affected with STAT2-related conditions. This variant is not present in population databases (gnomAD no frequency). This sequence change creates a premature translational stop signal (p.Gln42*) in the STAT2 gene. It is expected to result in an absent or disrupted protein product. Loss-of-function variants in STAT2 are known to be pathogenic (PMID: 23391734, 26122121).

Literature cited by the submitters: PubMed 23391734; PubMed 26122121.

NM_005419.4(STAT2):c.124C>T (p.Gln42Ter)

Gene: STAT2 (signal transducer and activator of transcription 2; minus strand). Cytogenetic location: 12q13.3.
Variant type: single nucleotide variant.
Coding change: c.124C>T on transcript NM_005419.4 (MANE Select); coding-DNA position 124, C replaced by T.
Protein change: p.Gln42Ter; replaces glutamine 42 with a stop codon.
Molecular consequence: nonsense.
Genome position (GRCh38, 1-based): chr12:56,356,448, G>A on the plus strand (C>T on the coding strand, the complement: STAT2 is on the minus strand). VCF-style: chr12-56356448-G-A. GRCh37 (hg19) VCF-style: chr12-56750232-G-A.
Other names: c.124C>T, p.Gln42Ter (NM_001385110.1, NM_001385111.1, NM_001385113.1 and 3 more transcripts); short protein forms Q42*.
Identifiers: ClinVar variation 1451841 (VCV001451841.6), dbSNP rs1258502384, ClinGen allele CA385264076.